The following is an entry in ClinVar:

ClinVar aggregate classification (germline): Conflicting classifications of pathogenicity. Review status: criteria provided, conflicting classifications (1 of 4 stars). 2 submissions from 2 submitters: Uncertain significance (1); Likely benign (1). Last evaluated 2023-05-22.

Conditions:
Kleefstra syndrome 1 (KLEFS1). Identifiers: Orphanet 261494, MedGen C0795833, MONDO:0027407, OMIM 610253.

Submissions (2):

Labcorp Genetics (formerly Invitae), Labcorp
Classification: Likely benign for Kleefstra syndrome 1. Last evaluated: 2023-05-22. Review status: criteria provided, single submitter. Criteria: Invitae Variant Classification Sherloc (09022015). Collection method: clinical testing. Allele origin: germline.

GeneDx
Classification: Uncertain significance. Last evaluated: 2022-04-04. Review status: criteria provided, single submitter. Criteria: GeneDx Variant Classification Process June 2021. Collection method: clinical testing. Allele origin: germline. Affected: yes.
Comment: Not observed at significant frequency in large population cohorts (gnomAD); In silico analysis supports that this variant does not alter splicing; Has not been previously published as pathogenic or benign to our knowledge

NM_024757.5(EHMT1):c.2574G>A (p.Leu858=)

Gene: EHMT1 (euchromatic histone lysine methyltransferase 1; plus strand). Cytogenetic location: 9q34.3.
Variant type: single nucleotide variant.
Coding change: c.2574G>A on transcript NM_024757.5 (MANE Select); coding-DNA position 2574, G replaced by A.
Protein change: p.Leu858=; no amino-acid change (leucine 858 retained).
Molecular consequence: synonymous variant.
Genome position (GRCh38, 1-based): chr9:137,798,881, G>A. VCF-style: chr9-137798881-G-A. GRCh37 (hg19) VCF-style: chr9-140693333-G-A.
Other names: c.2553G>A, p.Leu851= (NM_001354263.2).
Identifiers: ClinVar variation 1708610 (VCV001708610.5), dbSNP rs2538359006, ClinGen allele CA467877472.